The following is an entry in ClinVar:

NM_014714.4(IFT140):c.3650A>G (p.Asn1217Ser)

Gene: IFT140 (intraflagellar transport 140; minus strand). Cytogenetic location: 16p13.3.
Variant type: single nucleotide variant.
Coding change: c.3650A>G on transcript NM_014714.4 (MANE Select); coding-DNA position 3650, A replaced by G.
Protein change: p.Asn1217Ser; replaces asparagine 1217 with serine.
Molecular consequence: missense variant.
Genome position (GRCh38, 1-based): chr16:1,520,612, T>C on the plus strand (A>G on the coding strand, the complement: IFT140 is on the minus strand). VCF-style: chr16-1520612-T-C. GRCh37 (hg19) VCF-style: chr16-1570613-T-C.
Other names: short protein forms N1217S.
Identifiers: ClinVar variation 886468 (VCV000886468.15), dbSNP rs368380437, ClinGen allele CA7813090.

ClinVar aggregate classification (germline): Uncertain significance. Review status: criteria provided, multiple submitters, no conflicts (2 of 4 stars). 4 submissions from 4 submitters: Uncertain significance (4). Last evaluated 2025-11-15.

Conditions:
Inborn genetic diseases. Identifiers: MedGen C0950123, MeSH D030342.
Saldino-Mainzer syndrome (SRTD9). Also called: Renal dysplasia, retinal pigmentary dystrophy, cerebellar ataxia and skeletal dysplasia; short-rib thoracic dysplasia 9 with or without polydactyly; CONORENAL SYNDROME; SHORT-RIB THORACIC DYSPLASIA 9 WITHOUT POLYDACTYLY. Identifiers: Orphanet 140969, MedGen C1849437, MONDO:0009964, OMIM 266920.

Allele frequency attached by ClinVar (database versions not stated): ExAC below 0.00001; gnomAD exomes below 0.00001 and 0.00003; TOPMed 0.00001; gnomAD 0.00002; ESP Exome Variant Server 0.00008.
gnomAD v4.1: 42 of 1,584,136 alleles (0.0027%); highest among the groups gnomAD compares: Non-Finnish European, 0.0034%; no homozygotes.

Submissions (4):

Labcorp Genetics (formerly Invitae), Labcorp
Classification: Uncertain significance for Saldino-Mainzer syndrome. Last evaluated: 2025-11-15. Review status: criteria provided, single submitter. Criteria: Invitae Variant Classification Sherloc (09022015). Collection method: clinical testing. Allele origin: germline.
Comment: This sequence change replaces asparagine, which is neutral and polar, with serine, which is neutral and polar, at codon 1217 of the IFT140 protein (p.Asn1217Ser). This variant is present in population databases (rs368380437, gnomAD 0.001%). This variant has not been reported in the literature in individuals affected with IFT140-related conditions. ClinVar contains an entry for this variant (Variation ID: 886468). Invitae Evidence Modeling of protein sequence and biophysical properties (such as structural, functional, and spatial information, amino acid conservation, physicochemical variation, residue mobility, and thermodynamic stability) indicates that this missense variant is not expected to disrupt IFT140 protein function with a negative predictive value of 80%. In summary, the available evidence is currently insufficient to determine the role of this variant in disease. Therefore, it has been classified as a Variant of Uncertain Significance.

Ambry Genetics
Classification: Uncertain significance for Inborn genetic diseases. Last evaluated: 2025-07-01. Review status: criteria provided, single submitter. Criteria: Ambry Variant Classification Scheme 2023. Collection method: clinical testing. Allele origin: germline.

Blueprint Genetics
Classification: Uncertain significance. Last evaluated: 2022-05-18. Review status: criteria provided, single submitter. Criteria: ACMG Guidelines, 2015. Collection method: clinical testing. Allele origin: germline.

Illumina Laboratory Services, Illumina
Classification: Uncertain significance for Saldino-Mainzer syndrome. Last evaluated: 2018-01-13. Review status: criteria provided, single submitter. Criteria: ICSL Variant Classification Criteria 13 December 2019. Collection method: clinical testing. Allele origin: germline.